The following is an entry in ClinVar:

NM_000018.4(ACADVL):c.335T>A (p.Phe112Tyr)

Gene: ACADVL (acyl-CoA dehydrogenase very long chain; plus strand). Cytogenetic location: 17p13.1.
Variant type: single nucleotide variant.
Coding change: c.335T>A on transcript NM_000018.4 (MANE Select); coding-DNA position 335, T replaced by A.
Protein change: p.Phe112Tyr; replaces phenylalanine 112 with tyrosine.
Molecular consequence: missense variant.
Genome position (GRCh38, 1-based): chr17:7,220,823, T>A. VCF-style: chr17-7220823-T-A. GRCh37 (hg19) VCF-style: chr17-7124142-T-A.
Other names: c.269T>A, p.Phe90Tyr (NM_001033859.3); c.404T>A, p.Phe135Tyr (NM_001270447.2); c.107T>A, p.Phe36Tyr (NM_001270448.2); short protein forms F112Y, F135Y, F36Y, F90Y.
Identifiers: ClinVar variation 3766562 (VCV003766562.1).

ClinVar aggregate classification (germline): Uncertain significance (1 of 4 stars; one submission).

Conditions:
Very long chain acyl-CoA dehydrogenase deficiency (ACADVLD). Also called: Very Long-Chain Acyl-Coenzyme A Dehydrogenase Deficiency; VLCAD Deficiency. Identifiers: Orphanet 26793, MedGen C3887523, MONDO:0008723, OMIM 201475.

Submission:

ARUP Laboratories, Molecular Genetics and Genomics, ARUP Laboratories
Classification: Uncertain significance for Very long chain acyl-CoA dehydrogenase deficiency. Last evaluated: 2024-04-12. Review status: criteria provided, single submitter. Criteria: ARUP Molecular Germline Variant Investigation Process 2024. Collection method: clinical testing. Allele origin: germline.
Comment: The ACADVL c.335T>A; p.Phe112Tyr variant, to our knowledge, is not reported in the medical literature or gene specific databases. This variant is also absent from the Genome Aggregation Database (v2.1.1), indicating it is not a common polymorphism. Computational analyses predict that this variant is deleterious (REVEL: 0.837). However, given the lack of clinical and functional data, the significance of this variant is uncertain at this time.